The following is an entry in ClinVar:

ClinVar aggregate classification (germline): Uncertain significance (1 of 4 stars; one submission).

Submission:

Labcorp Genetics (formerly Invitae), Labcorp
Classification: Uncertain significance. Last evaluated: 2024-10-22. Review status: criteria provided, single submitter. Criteria: Invitae Variant Classification Sherloc (09022015). Collection method: clinical testing. Allele origin: germline.
Comment: This sequence change replaces leucine, which is neutral and non-polar, with phenylalanine, which is neutral and non-polar, at codon 15 of the NDUFAF6 protein (p.Leu15Phe). This variant is not present in population databases (gnomAD no frequency). This variant has not been reported in the literature in individuals affected with NDUFAF6-related conditions. ClinVar contains an entry for this variant (Variation ID: 2198095). An algorithm developed to predict the effect of missense changes on protein structure and function outputs the following: PolyPhen-2: "Benign". The phenylalanine amino acid residue is found in multiple mammalian species, which suggests that this missense change does not adversely affect protein function. In summary, the available evidence is currently insufficient to determine the role of this variant in disease. Therefore, it has been classified as a Variant of Uncertain Significance.

NM_152416.4(NDUFAF6):c.43C>T (p.Leu15Phe)

Genes: NDUFAF6 (NADH:ubiquinone oxidoreductase complex assembly factor 6; plus strand), LOC113788297 (Sharpr-MPRA regulatory region 2014; plus strand). Cytogenetic location: 8q22.1.
Variant type: single nucleotide variant.
Coding change: c.43C>T on transcript NM_152416.4 (MANE Select); coding-DNA position 43, C replaced by T.
Protein change: p.Leu15Phe; replaces leucine 15 with phenylalanine.
Molecular consequence: missense variant. On other transcripts: 5 prime UTR variant (12), non-coding transcript variant (6), intron variant (7).
Genome position (GRCh38, 1-based): chr8:95,025,051, C>T. VCF-style: chr8-95025051-C-T. GRCh37 (hg19) VCF-style: chr8-96037279-C-T.
Other names: c.-238C>T (NM_001330582.2, NM_001354521.2); c.-191C>T (NM_001354517.2); c.-410C>T (NM_001354518.2); c.-406C>T (NM_001354519.2); c.-755C>T (NM_001354527.2); c.-726C>T (NM_001354528.2); c.-538C>T (NM_001354529.2); c.-640C>T (NM_001354530.2); and 8 more; short protein forms L15F.
Identifiers: ClinVar variation 2198095 (VCV002198095.4), dbSNP rs2536704923, ClinGen allele CA371742322.